The following is an entry in ClinVar:

ClinVar aggregate classification (germline): Likely benign. Review status: criteria provided, multiple submitters, no conflicts (2 of 4 stars). 2 submissions from 2 submitters: Likely benign (2). Last evaluated 2024-07-29.

Conditions:
Oligodontia-cancer predisposition syndrome. Also called: TOOTH AGENESIS-COLORECTAL CANCER SYNDROME. Identifiers: Orphanet 300576, MedGen C1837750, MONDO:0012075, OMIM 608615. Disease mechanism: loss of function.

Allele frequency attached by ClinVar (database versions not stated): gnomAD exomes below 0.00001; TOPMed below 0.00001.
gnomAD v4.1: 2 of 1,613,966 alleles (0.00012%); highest among the groups gnomAD compares: Admixed American, 0.0017%; no homozygotes.

Submissions (2):

Labcorp Genetics (formerly Invitae), Labcorp
Classification: Likely benign for Oligodontia-cancer predisposition syndrome. Last evaluated: 2024-07-29. Review status: criteria provided, single submitter. Criteria: Invitae Variant Classification Sherloc (09022015). Collection method: clinical testing. Allele origin: germline.

Myriad Genetics, Inc.
Classification: Likely benign for Oligodontia-cancer predisposition syndrome. Last evaluated: 2024-07-08. Review status: criteria provided, single submitter. Criteria: Myriad Autosomal Dominant, Autosomal Recessive and X-Linked Classification Criteria (2023). Collection method: clinical testing. Allele origin: unknown.
Comment: This variant is considered likely benign. This variant is intronic and is not expected to impact mRNA splicing.

NM_004655.4(AXIN2):c.1712+7G>A

Gene: AXIN2 (axin 2; minus strand). Cytogenetic location: 17q24.1.
Variant type: single nucleotide variant.
Coding change: c.1712+7G>A on transcript NM_004655.4 (MANE Select); 7 bases into the intron after coding-DNA position 1712, G replaced by A.
Molecular consequence: intron variant.
Genome position (GRCh38, 1-based): chr17:65,537,317, C>T on the plus strand (G>A on the coding strand, the complement: AXIN2 is on the minus strand). VCF-style: chr17-65537317-C-T. GRCh37 (hg19) VCF-style: chr17-63533435-C-T.
Other names: c.1712+7G>A (NM_001363813.1).
Identifiers: ClinVar variation 1657970 (VCV001657970.9), dbSNP rs1248367368, ClinGen allele CA774132110.